The following is an entry in ClinVar:

NM_001458.5(FLNC):c.1935_1937del (p.Asp646del)

Gene: FLNC (filamin C; plus strand). Cytogenetic location: 7q32.1.
Variant type: Deletion.
Coding change: c.1935_1937del on transcript NM_001458.5 (MANE Select); coding-DNA positions 1935 to 1937, 3 bases deleted (CGA; older notation c.1935_1937delCGA).
Protein change: p.Asp646del; deletes aspartic acid 646.
Molecular consequence: inframe deletion.
Genome position (GRCh38, 1-based): chr7:128,841,291-128,841,293, CGA deleted; deleting any 3 consecutive bases within chr7:128,841,289-128,841,293 gives the same sequence; the c. name uses the placement nearest the transcript's 3' end. VCF-style (leftmost placement, unchanged base first): chr7-128841288-TGAC-T. GRCh37 (hg19) VCF-style: chr7-128481342-TGAC-T.
Other names: c.1935_1937delCGA (NM_001458.4, NM_001458.5); c.1935_1937del, p.Asp646del (NM_001127487.2); short protein forms D646del.
Identifiers: ClinVar variation 471992 (VCV000471992.18), dbSNP rs765300084, ClinGen allele CA4474532.
Genomic context (GRCh38, chr7:128,841,288, plus strand): 5'-CTCCTGCGATGTGCGGTACTGGCCCACGGAGCCTGGGGAGTACGCTGTGCACGTCATCTG[TGAC>T]GATGAGGACATCCGAGACTCACCCTTCATTGCCCACATCCTGCCCGCCCCACCTGACTGC-3'

ClinVar aggregate classification (germline): Uncertain significance. Review status: criteria provided, multiple submitters, no conflicts (2 of 4 stars). 8 submissions from 8 submitters: Uncertain significance (8). Last evaluated 2026-08-24.

Conditions:
FLNC-related disorder. Also called: FLNC-related disorders; FLNC-related condition.
Myofibrillar myopathy 5. Also called: FILAMINOPATHY, AUTOSOMAL DOMINANT; Filaminopathy (type). Identifiers: Orphanet 171445, MedGen C1836050, MONDO:0012289, OMIM 609524.
Hypertrophic cardiomyopathy 26. Also called: Cardiomyopathy, familial hypertrophic, 26. Identifiers: Orphanet 75249, MedGen C4310749, MONDO:0014883, OMIM 617047.
Distal myopathy with posterior leg and anterior hand involvement. Also called: WILLIAMS DISTAL MYOPATHY. Identifiers: Orphanet 63273, MedGen C3279722, MONDO:0013550, OMIM 614065.
Cardiovascular phenotype. Identifiers: MedGen CN230736.

Submissions (8):

PreventionGenetics, part of Exact Sciences
Classification: Uncertain significance for FLNC-related condition. Last evaluated: 2026-08-24. Review status: criteria provided, single submitter. Criteria: ACMG Guidelines, 2015. Collection method: clinical testing. Allele origin: germline.
Comment: The FLNC c.1935_1937delCGA variant is predicted to result in an in-frame deletion (p.Asp646del). This variant has been reported in individuals presenting with left ventricular non-compaction and was classified as likely pathogenic; however, information regarding inheritance and segregation of the variant was not provided (described as c.1933_1935del p.645del, Table 3, Richard et al. 2019. PubMed ID: 30471092; Supplementary Material, Cambon-Viala et al. 2021. PubMed ID: 34088380). This variant is reported in 0.0085% of alleles in individuals of European (Non-Finnish) descent in gnomAD. At this time, the clinical significance of this variant is uncertain due to the absence of conclusive functional and genetic evidence.

Women's Health and Genetics/Laboratory Corporation of America, LabCorp
Classification: Uncertain significance. Last evaluated: 2026-06-29. Review status: criteria provided, single submitter. Criteria: LabCorp Variant Classification Summary - May 2015. Collection method: clinical testing. Allele origin: germline.
Comment: Variant summary: FLNC c.1935_1937delCGA (p.Asp646del) results in an in-frame deletion that is predicted to remove one amino acid from the encoded protein. The variant allele was found at a frequency of 3.2e-05 in 249588 control chromosomes (gnomAD). The available data on variant occurrences in the general population are insufficient to allow any conclusion about variant significance. c.1935_1937delCGA has been observed in an individual(s) affected with Left ventricular non compaction (e.g. Richard_2019, Cambon-Viala_2021). These reports do not provide unequivocal conclusions about association of the variant with disease. To our knowledge, no experimental evidence demonstrating an impact on protein function has been reported. The following publications have been ascertained in the context of this evaluation (PMID: 30471092, 34088380). ClinVar contains an entry for this variant (Variation ID: 471992). Based on the evidence outlined above, the variant was classified as uncertain significance.

Labcorp Genetics (formerly Invitae), Labcorp
Classification: Uncertain significance for Distal myopathy with posterior leg and anterior hand involvement; Myofibrillar myopathy 5; Hypertrophic cardiomyopathy 26. Last evaluated: 2026-01-26. Review status: criteria provided, single submitter. Criteria: Invitae Variant Classification Sherloc (09022015). Collection method: clinical testing. Allele origin: germline.
Comment: This variant, c.1935_1937del, results in the deletion of 1 amino acid(s) of the FLNC protein (p.Asp646del), but otherwise preserves the integrity of the reading frame. This variant is present in population databases (rs765300084, gnomAD 0.008%). This variant has been observed in individual(s) with left ventricular non-compaction (PMID: 30471092). ClinVar contains an entry for this variant (Variation ID: 471992). Experimental studies and prediction algorithms are not available or were not evaluated, and the functional significance of this variant is currently unknown. In summary, the available evidence is currently insufficient to determine the role of this variant in disease. Therefore, it has been classified as a Variant of Uncertain Significance.

Revvity Omics, Revvity
Classification: Uncertain significance. Last evaluated: 2025-05-28. Review status: criteria provided, single submitter. Criteria: ACMG Guidelines, 2015. Collection method: clinical testing. Allele origin: germline.

Molecular Diagnostic Laboratory for Inherited Cardiovascular Disease, Montreal Heart Institute
Classification: Uncertain significance for Cardiovascular phenotype. Last evaluated: 2025-04-09. Review status: criteria provided, single submitter. Criteria: ACMG Guidelines, 2015. Collection method: clinical testing. Allele origin: germline. Affected: yes.

Ambry Genetics
Classification: Uncertain significance for Cardiovascular phenotype. Last evaluated: 2025-01-15. Review status: criteria provided, single submitter. Criteria: Ambry Variant Classification Scheme 2023. Collection method: clinical testing. Allele origin: germline.
Comment: The c.1935_1937delCGA variant (also known as p.D646del) is located in coding exon 12 of the FLNC gene. This variant results from an in-frame CGA deletion at nucleotide positions 1935 to 1937. This results in the in-frame deletion of an aspartic acid at codon 646. This variant (referred to as c.1933_1935del, p.645del) was detected in a left ventricular non-compaction cohort; however, details were limited (Richard P et al. Clin. Genet., 2019 03;95:356-367). This amino acid position is well conserved in available vertebrate species. In addition, this alteration is predicted to be deleterious by in silico analysis (Choi Y et al. PLoS ONE. 2012; 7(10):e46688). Since supporting evidence is limited at this time, the clinical significance of this alteration remains unclear.

GeneDx
Classification: Uncertain significance. Last evaluated: 2023-10-10. Review status: criteria provided, single submitter. Criteria: GeneDx Variant Classification Process June 2021. Collection method: clinical testing. Allele origin: germline. Affected: yes.
Comment: Reported as c.1933_1935del using alternate nomenclature in patients with left ventricular non-compaction (LVNC) in the published literature (Richard et al., 2019; Cambon-Viala et al., 2021); at least one patient harbored an additional cardiogenetic variant; In-frame deletion of one amino acid in a non-repeat region; In silico analysis, which includes protein predictors and evolutionary conservation, supports a deleterious effect; This variant is associated with the following publications: (PMID: 30471092, 34088380)

Fulgent Genetics
Classification: Uncertain significance for Myofibrillar myopathy 5; Distal myopathy with posterior leg and anterior hand involvement; Hypertrophic cardiomyopathy 26. Last evaluated: 2021-10-20. Review status: criteria provided, single submitter. Criteria: ACMG Guidelines, 2015. Collection method: clinical testing. Allele origin: unknown.

Literature cited by the submitters: PubMed 30471092 (cited by 3 submitters); PubMed 34088380 (cited by Women's Health and Genetics/Laboratory Corporation of America, LabCorp).